The following is an entry in ClinVar:

NM_001204.7(BMPR2):c.2209G>A (p.Val737Ile)

Gene: BMPR2 (bone morphogenetic protein receptor type 2; plus strand). Cytogenetic location: 2q33.2.
Variant type: single nucleotide variant.
Coding change: c.2209G>A on transcript NM_001204.7 (MANE Select); coding-DNA position 2209, G replaced by A.
Protein change: p.Val737Ile; replaces valine 737 with isoleucine.
Molecular consequence: missense variant.
Genome position (GRCh38, 1-based): chr2:202,555,874, G>A. VCF-style: chr2-202555874-G-A. GRCh37 (hg19) VCF-style: chr2-203420597-G-A.
Other names: short protein forms V737I.
Identifiers: ClinVar variation 3824849 (VCV003824849.1).

ClinVar aggregate classification (germline): Uncertain significance (1 of 4 stars; one submission).

Conditions:
Inborn genetic diseases. Identifiers: MedGen C0950123, MeSH D030342.

Submission:

Ambry Genetics
Classification: Uncertain significance for Inborn genetic diseases. Last evaluated: 2025-01-19. Review status: criteria provided, single submitter. Criteria: Ambry Variant Classification Scheme 2023. Collection method: clinical testing. Allele origin: germline.
Comment: The p.V737I variant (also known as c.2209G>A), located in coding exon 12 of the BMPR2 gene, results from a G to A substitution at nucleotide position 2209. The valine at codon 737 is replaced by isoleucine, an amino acid with highly similar properties. This amino acid position is conserved. In addition, this alteration is predicted to be tolerated by in silico analysis. Based on the available evidence, the clinical significance of this variant remains unclear.